The following is an entry in ClinVar:

NM_000288.4(PEX7):c.748-6_748-5del

Gene: PEX7 (peroxisomal biogenesis factor 7; plus strand). Cytogenetic location: 6q23.3.
Variant type: Deletion.
Coding change: c.748-6_748-5del on transcript NM_000288.4 (MANE Select); 6 bases into the intron before coding-DNA position 748 through 5 bases into the intron before coding-DNA position 748, 2 bases deleted (TT; older notation c.748-6_748-5delTT).
Molecular consequence: intron variant.
Genome position (GRCh38, 1-based): chr6:136,872,192-136,872,193, TT deleted; deleting any 2 consecutive bases within chr6:136,872,183-136,872,193 gives the same sequence; the c. name uses the placement nearest the transcript's 3' end. VCF-style (leftmost placement, unchanged base first): chr6-136872182-CTT-C. GRCh37 (hg19) VCF-style: chr6-137193320-CTT-C.
Other names: c.634-6_634-5del (NM_001410945.1).
Identifiers: ClinVar variation 3054066 (VCV003054066.2), dbSNP rs563675060, ClinGen allele CA4017745.

ClinVar aggregate classification (germline): Likely benign (0 of 4 stars; one submission).

Conditions:
PEX7-related disorder. Also called: PEX7-related disorders; PEX7-related condition. Identifiers: MedGen CN239409.

Submission:

PreventionGenetics, part of Exact Sciences
Classification: Likely benign for PEX7-related condition. Last evaluated: 2023-11-08. Review status: no assertion criteria provided. Collection method: clinical testing. Allele origin: germline.
Comment: This variant is classified as likely benign based on ACMG/AMP sequence variant interpretation guidelines (Richards et al. 2015 PMID: 25741868, with internal and published modifications).